The following is an entry in ClinVar:

NM_000535.7(PMS2):c.1669G>T (p.Asp557Tyr)

Gene: PMS2 (PMS1 homolog 2, mismatch repair system component; minus strand). Cytogenetic location: 7p22.1.
Variant type: single nucleotide variant.
Coding change: c.1669G>T on transcript NM_000535.7 (MANE Select); coding-DNA position 1669, G replaced by T.
Protein change: p.Asp557Tyr; replaces aspartic acid 557 with tyrosine.
Molecular consequence: missense variant. On other transcripts: non-coding transcript variant (1), intron variant (1).
Genome position (GRCh38, 1-based): chr7:5,987,096, C>A on the plus strand (G>T on the coding strand, the complement: PMS2 is on the minus strand). VCF-style: chr7-5987096-C-A. GRCh37 (hg19) VCF-style: chr7-6026727-C-A.
Other names: c.1303G>T, p.Asp435Tyr (NM_001406886.1); c.1264G>T, p.Asp422Tyr (NM_001406887.1, NM_001406888.1, NM_001406889.1 and 16 more transcripts); c.1513G>T, p.Asp505Tyr (NM_001322006.2, NM_001406870.1); c.1351G>T, p.Asp451Tyr (NM_001322007.2, NM_001322008.2, NM_001406903.1 and 2 more transcripts); c.1108G>T, p.Asp370Tyr (NM_001322010.2, NM_001406906.1, NM_001406907.1); c.736G>T, p.Asp246Tyr (NM_001322011.2, NM_001322012.2); c.1096G>T, p.Asp366Tyr (NM_001322013.2, NM_001406909.1); c.1669G>T, p.Asp557Tyr (NM_001322014.2, NM_001406871.1, NM_001406872.1); and 13 more; short protein forms D399Y, D422Y, D505Y, D521Y, D619Y, D370Y, D435Y, D451Y.
Identifiers: ClinVar variation 3660930 (VCV003660930.2).

ClinVar aggregate classification (germline): Uncertain significance (1 of 4 stars; one submission).

Conditions:
Hereditary nonpolyposis colorectal neoplasms. Identifiers: MedGen C0009405, MeSH D003123.

Submission:

Labcorp Genetics (formerly Invitae), Labcorp
Classification: Uncertain significance for Hereditary nonpolyposis colorectal neoplasms. Last evaluated: 2024-07-30. Review status: criteria provided, single submitter. Criteria: Invitae Variant Classification Sherloc (09022015). Collection method: clinical testing. Allele origin: germline.
Comment: This sequence change replaces aspartic acid, which is acidic and polar, with tyrosine, which is neutral and polar, at codon 557 of the PMS2 protein (p.Asp557Tyr). This variant is not present in population databases (gnomAD no frequency). This variant has not been reported in the literature in individuals affected with PMS2-related conditions. Advanced modeling of protein sequence and biophysical properties (such as structural, functional, and spatial information, amino acid conservation, physicochemical variation, residue mobility, and thermodynamic stability) has been performed at Invitae for this missense variant, however the output from this modeling did not meet the statistical confidence thresholds required to predict the impact of this variant on PMS2 protein function. In summary, the available evidence is currently insufficient to determine the role of this variant in disease. Therefore, it has been classified as a Variant of Uncertain Significance.